The following is an entry in ClinVar:

NM_053025.4(MYLK):c.2254G>A (p.Val752Met)

Gene: MYLK (myosin light chain kinase; minus strand). Cytogenetic location: 3q21.1.
Variant type: single nucleotide variant.
Coding change: c.2254G>A on transcript NM_053025.4 (MANE Select); coding-DNA position 2254, G replaced by A.
Protein change: p.Val752Met; replaces valine 752 with methionine.
Molecular consequence: missense variant.
Genome position (GRCh38, 1-based): chr3:123,707,890, C>T on the plus strand (G>A on the coding strand, the complement: MYLK is on the minus strand). VCF-style: chr3-123707890-C-T. GRCh37 (hg19) VCF-style: chr3-123426737-C-T.
Other names: c.1726G>A, p.Val576Met (NM_001321309.2); c.2047G>A, p.Val683Met (NM_053026.4, NM_053028.4); c.2254G>A, p.Val752Met (NM_053027.4); short protein forms V576M, V683M, V752M.
Identifiers: ClinVar variation 1316430 (VCV001316430.11), dbSNP rs144740858, ClinGen allele CA068337.

ClinVar aggregate classification (germline): Uncertain significance. Review status: criteria provided, multiple submitters, no conflicts (2 of 4 stars). 3 submissions from 3 submitters: Uncertain significance (3). Last evaluated 2025-11-24.

Conditions:
Familial thoracic aortic aneurysm and aortic dissection (TAAD). Also called: Thoracic aortic aneurysms and dissections. Identifiers: Orphanet 91387, MedGen C4707243, MONDO:0019625.
Aortic aneurysm, familial thoracic 7 (AAT7). Also called: AORTIC DISSECTION, FAMILIAL, WITH OR WITHOUT AORTIC ANEURYSM. Identifiers: MedGen C3151077, MONDO:0013418, OMIM 613780.

Allele frequency attached by ClinVar (database versions not stated): gnomAD 0.00002 and 0.00003; gnomAD exomes 0.00004 and 0.00014; ESP Exome Variant Server 0.00008; TOPMed 0.00011; ExAC 0.00013.
gnomAD v4.1: 60 of 1,614,034 alleles (0.0037%); highest among the groups gnomAD compares: Admixed American, 0.055%; no homozygotes.

Submissions (3):

Labcorp Genetics (formerly Invitae), Labcorp
Classification: Uncertain significance for Aortic aneurysm, familial thoracic 7. Last evaluated: 2025-11-24. Review status: criteria provided, single submitter. Criteria: Invitae Variant Classification Sherloc (09022015). Collection method: clinical testing. Allele origin: germline.
Comment: This sequence change replaces valine, which is neutral and non-polar, with methionine, which is neutral and non-polar, at codon 752 of the MYLK protein (p.Val752Met). The frequency data for this variant in the population databases is considered unreliable, as metrics indicate poor data quality at this position in the gnomAD database. This missense change has been observed in individual(s) with MYLK-related conditions (PMID: 36517271). ClinVar contains an entry for this variant (Variation ID: 1316430). Invitae Evidence Modeling of protein sequence and biophysical properties (such as structural, functional, and spatial information, amino acid conservation, physicochemical variation, residue mobility, and thermodynamic stability) indicates that this missense variant is not expected to disrupt MYLK protein function with a negative predictive value of 80%. In summary, the available evidence is currently insufficient to determine the role of this variant in disease. Therefore, it has been classified as a Variant of Uncertain Significance.

Ambry Genetics
Classification: Uncertain significance for Familial thoracic aortic aneurysm and aortic dissection. Last evaluated: 2025-05-05. Review status: criteria provided, single submitter. Criteria: Ambry Variant Classification Scheme 2023. Collection method: clinical testing. Allele origin: germline.
Comment: The p.V752M variant (also known as c.2254G>A), located in coding exon 13 of the MYLK gene, results from a G to A substitution at nucleotide position 2254. The valine at codon 752 is replaced by methionine, an amino acid with highly similar properties. This amino acid position is well conserved in available vertebrate species. In addition, the in silico prediction for this alteration is inconclusive. Based on the available evidence, the clinical significance of this variant remains unclear.

GeneDx
Classification: Uncertain significance. Last evaluated: 2023-05-10. Review status: criteria provided, single submitter. Criteria: GeneDx Variant Classification Process June 2021. Collection method: clinical testing. Allele origin: germline. Affected: yes.
Comment: Has not been previously published as pathogenic or benign to our knowledge; In silico analysis supports that this missense variant does not alter protein structure/function

Literature cited by the submitters: PubMed 36517271 (cited by Labcorp Genetics (formerly Invitae), Labcorp).